The following is an entry in ClinVar:

ClinVar aggregate classification (germline): Uncertain significance. Review status: criteria provided, multiple submitters, no conflicts (2 of 4 stars). 3 submissions from 3 submitters: Uncertain significance (3). Last evaluated 2023-08-29.

Conditions:
LAMA2-related muscular dystrophy (LAMA2-RD). Also called: Laminin alpha 2-related dystrophy. Identifiers: MedGen C5679788, MONDO:0100228.
Inborn genetic diseases. Identifiers: MedGen C0950123, MeSH D030342.

Allele frequency attached by ClinVar (database versions not stated): ExAC 0.00001.
gnomAD v4.1: 5 of 1,614,150 alleles (0.00031%); highest among the groups gnomAD compares: Admixed American, 0.0083%; no homozygotes.

Submissions (3):

Revvity Omics, Revvity
Classification: Uncertain significance. Last evaluated: 2023-08-29. Review status: criteria provided, single submitter. Criteria: ACMG Guidelines, 2015. Collection method: clinical testing. Allele origin: germline.

Labcorp Genetics (formerly Invitae), Labcorp
Classification: Uncertain significance for LAMA2-related muscular dystrophy. Last evaluated: 2022-08-22. Review status: criteria provided, single submitter. Criteria: Invitae Variant Classification Sherloc (09022015). Collection method: clinical testing. Allele origin: germline.
Comment: This sequence change replaces serine, which is neutral and polar, with asparagine, which is neutral and polar, at codon 982 of the LAMA2 protein (p.Ser982Asn). This variant is present in population databases (rs755096239, gnomAD 0.009%). This variant has not been reported in the literature in individuals affected with LAMA2-related conditions. ClinVar contains an entry for this variant (Variation ID: 1355346). Advanced modeling of protein sequence and biophysical properties (such as structural, functional, and spatial information, amino acid conservation, physicochemical variation, residue mobility, and thermodynamic stability) performed at Invitae indicates that this missense variant is not expected to disrupt LAMA2 protein function. In summary, the available evidence is currently insufficient to determine the role of this variant in disease. Therefore, it has been classified as a Variant of Uncertain Significance.

Ambry Genetics
Classification: Uncertain significance for Inborn genetic diseases. Last evaluated: 2021-06-30. Review status: criteria provided, single submitter. Criteria: Ambry Variant Classification Scheme 2023. Collection method: clinical testing. Allele origin: germline.

NM_000426.4(LAMA2):c.2945G>A (p.Ser982Asn)

Gene: LAMA2 (laminin subunit alpha 2; plus strand). Cytogenetic location: 6q22.33.
Variant type: single nucleotide variant.
Coding change: c.2945G>A on transcript NM_000426.4 (MANE Select); coding-DNA position 2945, G replaced by A.
Protein change: p.Ser982Asn; replaces serine 982 with asparagine.
Molecular consequence: missense variant.
Genome position (GRCh38, 1-based): chr6:129,297,773, G>A. VCF-style: chr6-129297773-G-A. GRCh37 (hg19) VCF-style: chr6-129618918-G-A.
Other names: c.2945G>A, p.Ser982Asn (NM_001079823.2); c.2945G>A (NM_000426.3); short protein forms S982N.
Identifiers: ClinVar variation 1355346 (VCV001355346.5), dbSNP rs755096239, ClinGen allele CA3993115.